The following is an entry in ClinVar:

NM_001082486.2(ACD):c.15G>T (p.Gly5=)

Gene: ACD (ACD shelterin complex subunit and telomerase recruitment factor; minus strand). Cytogenetic location: 16q22.1.
Variant type: single nucleotide variant.
Coding change: c.15G>T on transcript NM_001082486.2 (MANE Select); coding-DNA position 15, G replaced by T.
Protein change: p.Gly5=; no amino-acid change (glycine 5 retained).
Molecular consequence: synonymous variant.
Genome position (GRCh38, 1-based): chr16:67,660,206, C>A on the plus strand (G>T on the coding strand, the complement: ACD is on the minus strand). VCF-style: chr16-67660206-C-A. GRCh37 (hg19) VCF-style: chr16-67694109-C-A.
Other names: c.15G>T, p.Gly5= (NM_022914.3).
Identifiers: ClinVar variation 1360854 (VCV001360854.33), dbSNP rs1032620777, ClinGen allele CA283218720.
Genomic context (GRCh38, chr16:67,660,206, plus strand): 5'-ACTGGAGGGTGTCTCTGACCCCAGAATCAGCTCCCGAATCCAGGGCCGTAGGACCAGCCT[C>A]CCCGAACCTGCCATCCCCACGGCTACACCCAGCGGATGCAACGGGCCCGGGTTTCCCGCG-3'
Protein context (NP_001075955.2, residues 1-15): MAGS[Gly5=]RLVLRPWIRE

ClinVar aggregate classification (germline): Likely benign. Review status: criteria provided, multiple submitters, no conflicts (2 of 4 stars). 3 submissions from 3 submitters: Likely benign (3). Last evaluated 2024-06-19.

Conditions:
Inborn genetic diseases. Identifiers: MedGen C0950123, MeSH D030342.
Dyskeratosis congenita, autosomal dominant 6 (DKCA6). Identifiers: Orphanet 3322, MedGen C4225284, MONDO:0014690, OMIM 616553.

Allele frequency attached by ClinVar (database versions not stated): gnomAD 0.00001; gnomAD exomes 0.00001; TOPMed 0.00002.
gnomAD v4.1: 9 of 1,612,564 alleles (0.00056%); highest among the groups gnomAD compares: Admixed American, 0.0017%; no homozygotes.

Submissions (3):

Labcorp Genetics (formerly Invitae), Labcorp
Classification: Likely benign for Dyskeratosis congenita, autosomal dominant 6. Last evaluated: 2024-06-19. Review status: criteria provided, single submitter. Criteria: Invitae Variant Classification Sherloc (09022015). Collection method: clinical testing. Allele origin: germline.

CeGaT Center for Human Genetics Tuebingen
Classification: Likely benign. Last evaluated: 2022-10-01. Review status: criteria provided, single submitter. Criteria: CeGaT Center For Human Genetics Tuebingen Variant Classification Criteria Version 2. Collection method: clinical testing. Allele origin: germline. Affected: yes. Observed: 1 variant allele.
Comment: ACD: BP4, BP7

Ambry Genetics
Classification: Likely benign for Inborn genetic diseases. Last evaluated: 2022-05-24. Review status: criteria provided, single submitter. Criteria: Ambry Variant Classification Scheme 2023. Collection method: clinical testing. Allele origin: germline.